The following is an entry in ClinVar:

NM_182961.4(SYNE1):c.8939C>T (p.Ala2980Val)

Genes: SYNE1 (spectrin repeat containing nuclear envelope protein 1; minus strand), SYNE1-AS1 (SYNE1 antisense RNA 1; plus strand). Cytogenetic location: 6q25.2.
Variant type: single nucleotide variant.
Coding change: c.8939C>T on transcript NM_182961.4 (MANE Select); coding-DNA position 8939, C replaced by T.
Protein change: p.Ala2980Val; replaces alanine 2980 with valine.
Molecular consequence: missense variant. On other transcripts: non-coding transcript variant (1).
Genome position (GRCh38, 1-based): chr6:152,381,076, G>A on the plus strand (C>T on the coding strand, the complement: SYNE1 is on the minus strand). VCF-style: chr6-152381076-G-A. GRCh37 (hg19) VCF-style: chr6-152702211-G-A.
Other names: c.8960C>T, p.Ala2987Val (NM_033071.5); short protein forms A2980V, A2987V.
Identifiers: ClinVar variation 5009369 (VCV005009369.1).

ClinVar aggregate classification (germline): Uncertain significance (1 of 4 stars; one submission).

gnomAD v4.1: 4 of 1,614,154 alleles (0.00025%); highest among the groups gnomAD compares: Non-Finnish European, 0.00034%; no homozygotes.

Submission:

GeneDx
Classification: Uncertain significance. Last evaluated: 2026-03-18. Review status: criteria provided, single submitter. Criteria: GeneDx Variant Classification Process June 2021. Collection method: clinical testing. Allele origin: germline.
Comment: Not observed at significant frequency in large population cohorts (gnomAD); In silico analysis suggests that this missense variant does not alter protein structure/function; Has not been previously published as pathogenic or benign to our knowledge